The following is an entry in ClinVar:

ClinVar aggregate classification (germline): Uncertain significance. Review status: criteria provided, multiple submitters, no conflicts (2 of 4 stars). 4 submissions from 4 submitters: Uncertain significance (4). Last evaluated 2026-04-17.

Conditions:
Charcot-Marie-Tooth disease type 2. Also called: Charcot-Marie-Tooth type 2. Identifiers: Orphanet 64746, MedGen C0270914, MONDO:0018993.
Charcot-Marie-Tooth disease type 2D (CMT2D). Also called: CHARCOT-MARIE-TOOTH DISEASE, AXONAL, TYPE 2D; CHARCOT-MARIE-TOOTH DISEASE, NEURONAL, TYPE 2D; Charcot-Marie-Tooth Neuropathy Type 2D; GARS1 Adolescent- or Early Adult-Onset Hereditary Motor/Sensory Neuropathy (GARS1-HMSN). Identifiers: Orphanet 99938, MedGen C1832274, MONDO:0011091, OMIM 601472.

Allele frequency attached by ClinVar (database versions not stated): gnomAD 0.00001; gnomAD exomes 0.00001; ExAC 0.00002; TOPMed 0.00002.
gnomAD v4.1: 16 of 1,613,626 alleles (0.00099%); highest among the groups gnomAD compares: East Asian, 0.0022%; no homozygotes.

Submissions (4):

Greenwood Genetic Center Diagnostic Laboratories, Greenwood Genetic Center
Classification: Uncertain significance. Last evaluated: 2026-04-17. Review status: criteria provided, single submitter. Criteria: ACMG Guidelines, 2015. Collection method: clinical testing. Allele origin: germline.
Comment: PP3

Ambry Genetics
Classification: Uncertain significance. Last evaluated: 2025-11-12. Review status: criteria provided, single submitter. Criteria: Ambry Variant Classification Scheme 2023. Collection method: clinical testing. Allele origin: germline.

Genesolutions, Medical Genetics Institutes, Ho Chi Minh City, Vietnam
Classification: Uncertain significance for Charcot-Marie-Tooth disease type 2D. Last evaluated: 2025-09-24. Review status: criteria provided, single submitter. Criteria: ACMG Guidelines, 2015. Collection method: clinical testing. Allele origin: germline. Affected: yes.

Labcorp Genetics (formerly Invitae), Labcorp
Classification: Uncertain significance for Charcot-Marie-Tooth disease type 2. Last evaluated: 2025-07-06. Review status: criteria provided, single submitter. Criteria: Invitae Variant Classification Sherloc (09022015). Collection method: clinical testing. Allele origin: germline.
Comment: This sequence change replaces isoleucine, which is neutral and non-polar, with threonine, which is neutral and polar, at codon 286 of the GARS protein (p.Ile286Thr). This variant is present in population databases (rs752755311, gnomAD 0.006%). This variant has not been reported in the literature in individuals affected with GARS-related conditions. ClinVar contains an entry for this variant (Variation ID: 2173881). Invitae Evidence Modeling of protein sequence and biophysical properties (such as structural, functional, and spatial information, amino acid conservation, physicochemical variation, residue mobility, and thermodynamic stability) indicates that this missense variant is expected to disrupt GARS protein function with a positive predictive value of 95%. In summary, the available evidence is currently insufficient to determine the role of this variant in disease. Therefore, it has been classified as a Variant of Uncertain Significance.

NM_002047.4(GARS1):c.857T>C (p.Ile286Thr)

Gene: GARS1 (glycyl-tRNA synthetase 1; plus strand). Cytogenetic location: 7p14.3.
Variant type: single nucleotide variant.
Coding change: c.857T>C on transcript NM_002047.4 (MANE Select); coding-DNA position 857, T replaced by C.
Protein change: p.Ile286Thr; replaces isoleucine 286 with threonine.
Molecular consequence: missense variant.
Genome position (GRCh38, 1-based): chr7:30,609,706, T>C. VCF-style: chr7-30609706-T-C. GRCh37 (hg19) VCF-style: chr7-30649322-T-C.
Other names: c.695T>C, p.Ile232Thr (NM_001316772.1); short protein forms I286T, I232T.
Identifiers: ClinVar variation 2173881 (VCV002173881.5), dbSNP rs752755311, ClinGen allele CA4205836.